The following is an entry in ClinVar:

ClinVar aggregate classification (germline): Uncertain significance (1 of 4 stars; one submission).

Allele frequency attached by ClinVar (database versions not stated): TOPMed below 0.00001; gnomAD 0.00001.

Submission:

Labcorp Genetics (formerly Invitae), Labcorp
Classification: Uncertain significance. Last evaluated: 2022-08-15. Review status: criteria provided, single submitter. Criteria: Invitae Variant Classification Sherloc (09022015). Collection method: clinical testing. Allele origin: germline.
Comment: This sequence change replaces leucine, which is neutral and non-polar, with methionine, which is neutral and non-polar, at codon 423 of the GGCX protein (p.Leu423Met). This variant is present in population databases (no rsID available, gnomAD 0.003%). This variant has not been reported in the literature in individuals affected with GGCX-related conditions. Algorithms developed to predict the effect of missense changes on protein structure and function are either unavailable or do not agree on the potential impact of this missense change (SIFT: "Deleterious"; PolyPhen-2: "Possibly Damaging"; Align-GVGD: "Class C0"). In summary, the available evidence is currently insufficient to determine the role of this variant in disease. Therefore, it has been classified as a Variant of Uncertain Significance.

NM_000821.7(GGCX):c.1267C>A (p.Leu423Met)

Gene: GGCX (gamma-glutamyl carboxylase; minus strand). Cytogenetic location: 2p11.2.
Variant type: single nucleotide variant.
Coding change: c.1267C>A on transcript NM_000821.7 (MANE Select); coding-DNA position 1267, C replaced by A.
Protein change: p.Leu423Met; replaces leucine 423 with methionine.
Molecular consequence: missense variant.
Genome position (GRCh38, 1-based): chr2:85,552,959, G>T on the plus strand (C>A on the coding strand, the complement: GGCX is on the minus strand). VCF-style: chr2-85552959-G-T. GRCh37 (hg19) VCF-style: chr2-85780082-G-T.
Other names: c.1096C>A, p.Leu366Met (NM_001142269.4); short protein forms L423M, L366M.
Identifiers: ClinVar variation 2160751 (VCV002160751.1), dbSNP rs1438150253, ClinGen allele CA347486832.